The following is an entry in ClinVar:

ClinVar aggregate classification (germline): Uncertain significance (1 of 4 stars; one submission).

Submission:

GeneDx
Classification: Uncertain significance. Last evaluated: 2021-11-04. Review status: criteria provided, single submitter. Criteria: GeneDx Variant Classification Process June 2021. Collection method: clinical testing. Allele origin: germline. Affected: yes.
Comment: Not observed at significant frequency in large population cohorts (Lek et al., 2016); In silico analysis supports that this missense variant does not alter protein structure/function; Has not been previously published as pathogenic or benign to our knowledge

NM_001368397.1(FRMPD4):c.1090A>G (p.Thr364Ala)

Gene: FRMPD4 (FERM and PDZ domain containing 4; plus strand). Cytogenetic location: Xp22.2.
Variant type: single nucleotide variant.
Coding change: c.1090A>G on transcript NM_001368397.1 (MANE Select); coding-DNA position 1090, A replaced by G.
Protein change: p.Thr364Ala; replaces threonine 364 with alanine.
Molecular consequence: missense variant.
Genome position (GRCh38, 1-based): chrX:12,704,378, A>G. VCF-style: chrX-12704378-A-G. GRCh37 (hg19) VCF-style: chrX-12722497-A-G.
Other names: c.1090A>G, p.Thr364Ala (NM_014728.3); c.1201A>G, p.Thr401Ala (NM_001368395.3, NM_001368398.3); c.1096A>G, p.Thr366Ala (NM_001368396.3); c.1081A>G, p.Thr361Ala (NM_001368399.3); c.970A>G, p.Thr324Ala (NM_001368400.3); c.1066A>G, p.Thr356Ala (NM_001368401.1, NM_001368402.3); short protein forms T324A, T356A, T361A, T364A, T366A, T401A.
Identifiers: ClinVar variation 1326177 (VCV001326177.2), dbSNP rs2147144339, ClinGen allele CA412008667.